The following is an entry in ClinVar:

NM_181552.4(CUX1):c.4256A>G (p.Asp1419Gly)

Gene: CUX1 (cut like homeobox 1; plus strand). Cytogenetic location: 7q22.1.
Variant type: single nucleotide variant.
Coding change: c.4256A>G on transcript NM_181552.4 (MANE Select); coding-DNA position 4256, A replaced by G.
Protein change: p.Asp1419Gly; replaces aspartic acid 1419 with glycine.
Molecular consequence: missense variant. On other transcripts: intron variant (5).
Genome position (GRCh38, 1-based): chr7:102,248,780, A>G. VCF-style: chr7-102248780-A-G. GRCh37 (hg19) VCF-style: chr7-101892060-A-G.
Other names: c.4289A>G, p.Asp1430Gly (NM_001202543.2); c.1256-24586A>G (NM_001913.5); c.1250-24586A>G (NM_181500.4); c.1118-24586A>G (NM_001202545.3); c.1208-24586A>G (NM_001202544.3); c.1139-24586A>G (NM_001202546.3); short protein forms D1419G, D1430G.
Identifiers: ClinVar variation 3370109 (VCV003370109.3).
Genomic context (GRCh38, chr7:102,248,780, plus strand): 5'-CGGGGCCCCTGCCCAGCCCCGCCTCCGCGACCGCCACCGCCGCGCCCGCGGCCCCCGAGG[A>G]CGCCGCTACCTCAGCCGCCGCCGCGCCGGGGGAGGGCCCCGCGGCCCCGAGCTCCGCGCC-3'
Protein context (NP_853530.2, residues 1409-1429): TATAAPAAPE[Asp1419Gly]AATSAAAAPG

ClinVar aggregate classification (germline): Uncertain significance. Review status: criteria provided, multiple submitters, no conflicts (2 of 4 stars). 2 submissions from 2 submitters: Uncertain significance (2). Last evaluated 2026-10-20.

Conditions:
Inborn genetic diseases. Identifiers: MedGen C0950123, MeSH D030342.

Submissions (2):

GeneDx
Classification: Uncertain significance. Last evaluated: 2026-10-20. Review status: criteria provided, single submitter. Criteria: GeneDx Variant Classification Process June 2021. Collection method: clinical testing. Allele origin: germline.
Comment: Not observed at significant frequency in large population cohorts (gnomAD); In silico analysis suggests that this missense variant does not alter protein structure/function; Has not been previously published as pathogenic or benign to our knowledge

Ambry Genetics
Classification: Uncertain significance for Inborn genetic diseases. Last evaluated: 2025-11-23. Review status: criteria provided, single submitter. Criteria: Ambry Variant Classification Scheme 2023. Collection method: clinical testing. Allele origin: germline.